The following is an entry in ClinVar:

NM_001349338.3(FOXP1):c.1544A>G (p.His515Arg)

Gene: FOXP1 (forkhead box P1; minus strand). Cytogenetic location: 3p13.
Variant type: single nucleotide variant.
Coding change: c.1544A>G on transcript NM_001349338.3 (MANE Select); coding-DNA position 1544, A replaced by G.
Protein change: p.His515Arg; replaces histidine 515 with arginine.
Molecular consequence: missense variant. On other transcripts: non-coding transcript variant (2), intron variant (1).
Genome position (GRCh38, 1-based): chr3:70,972,663, T>C on the plus strand (A>G on the coding strand, the complement: FOXP1 is on the minus strand). VCF-style: chr3-70972663-T-C. GRCh37 (hg19) VCF-style: chr3-71021814-T-C.
Other names: c.1244A>G, p.His415Arg (NM_001349342.3, NM_001244813.3, NM_001244815.2); c.1241A>G, p.His414Arg (NM_001349343.3, NM_001349344.3, NM_001370548.1 and 1 more transcripts); c.1544A>G, p.His515Arg (NM_032682.6, NM_001244814.3, NM_001244816.2 and 1 more transcripts); c.1531-483A>G (NM_001244810.2); c.1541A>G, p.His514Arg (NM_001244808.3, NM_001349341.3); c.1316A>G, p.His439Arg (NM_001244812.3); short protein forms H414R, H415R, H439R, H514R, H515R.
Identifiers: ClinVar variation 984631 (VCV000984631.3), dbSNP rs2036511353, ClinGen allele CA353491837.

ClinVar aggregate classification (germline): Uncertain significance. Review status: criteria provided, single submitter (1 of 4 stars). 2 submissions from 2 submitters: Uncertain significance (1). 1 of the submissions does not count toward it. Last evaluated 2024-06-20.

Conditions:
Intellectual disability-severe speech delay-mild dysmorphism syndrome (IDDLA). Also called: Mental retardation with language impairment and autistic features; Intellectual developmental disorder with language impairment AND with or without autistic features; FOXP1 Syndrome. Identifiers: Orphanet 391372, MedGen C4013764, MONDO:0013352, OMIM 613670.

Submissions (2):

3billion
Classification: Uncertain significance for Intellectual disability-severe speech delay-mild dysmorphism syndrome. Last evaluated: 2024-06-20. Review status: criteria provided, single submitter. Criteria: ACMG Guidelines, 2015. Collection method: clinical testing. Allele origin: germline. Affected: yes.
Comment: The variant is not observed in the gnomAD v4.0.0 dataset. Predicted Consequence/Location: The majority of the known disease-causing variants of this gene are variants expected to result in premature termination of the protein. In silico tool predictions suggest damaging effect of the variant on gene or gene product [REVEL: 0.99 (>=0.6, sensitivity 0.68 and specificity 0.92)]. The same nucleotide change resulting in the same amino acid change has been previously reported to be associated with FOXP1 related disorder (ClinVar ID: VCV000984631). A different missense change at the same codon (p.His515Asp) has been reported to be associated with FOXP1 related disorder (PMID: 27657687). However, the evidence of pathogenicity is insufficient at this time. Therefore, this variant is classified as VUS according to the recommendation of ACMG/AMP guideline.

Department of Genetics, Rouen University Hospital, Normandy Center for Genomic and Personalized Medicine
Classification: Likely pathogenic for Intellectual disability-severe speech delay-mild dysmorphism syndrome. Last evaluated: 2020-04-03. Review status: no assertion criteria provided. Collection method: clinical testing. Allele origin: de novo. Affected: yes. Not counted in ClinVar's aggregate classification.

Literature cited by the submitters: PubMed 27657687 (cited by 3billion).